The following is an entry in ClinVar:

ClinVar aggregate classification (germline): Uncertain significance (1 of 4 stars; one submission).

Conditions:
Pyogenic bacterial infections due to MyD88 deficiency (IMD68). Also called: PYOGENIC BACTERIAL INFECTIONS, RECURRENT, DUE TO MYD88 DEFICIENCY. Identifiers: Orphanet 183713, MedGen C2677092, MONDO:0012839, OMIM 612260.

Submission:

Labcorp Genetics (formerly Invitae), Labcorp
Classification: Uncertain significance for Pyogenic bacterial infections due to MyD88 deficiency. Last evaluated: 2021-12-13. Review status: criteria provided, single submitter. Criteria: Invitae Variant Classification Sherloc (09022015). Collection method: clinical testing. Allele origin: germline.
Comment: In summary, the available evidence is currently insufficient to determine the role of this variant in disease. Therefore, it has been classified as a Variant of Uncertain Significance. Algorithms developed to predict the effect of missense changes on protein structure and function are either unavailable or do not agree on the potential impact of this missense change (SIFT: "Deleterious"; PolyPhen-2: "Benign"; Align-GVGD: "Class C0"). This variant has not been reported in the literature in individuals affected with MYD88-related conditions. This variant is not present in population databases (gnomAD no frequency). This sequence change replaces valine, which is neutral and non-polar, with leucine, which is neutral and non-polar, at codon 235 of the MYD88 protein (p.Val235Leu).

NM_002468.5(MYD88):c.664G>C (p.Val222Leu)

Gene: MYD88 (MYD88 innate immune signal transduction adaptor; plus strand). Cytogenetic location: 3p22.2.
Variant type: single nucleotide variant.
Coding change: c.664G>C on transcript NM_002468.5 (MANE Select); coding-DNA position 664, G replaced by C.
Protein change: p.Val222Leu; replaces valine 222 with leucine.
Molecular consequence: missense variant. On other transcripts: intron variant (1).
Genome position (GRCh38, 1-based): chr3:38,140,776, G>C. VCF-style: chr3-38140776-G-C. GRCh37 (hg19) VCF-style: chr3-38182267-G-C.
Other names: c.529G>C, p.Val177Leu (NM_001172568.2); c.483G>C, p.Trp161Cys (NM_001172569.3); c.645G>C, p.Trp215Cys (NM_001365876.1); c.510G>C, p.Trp170Cys (NM_001365877.1); c.645-24G>C (NM_001374787.1); c.348G>C, p.Trp116Cys (NM_001172566.2); c.688G>C, p.Val230Leu (NM_001172567.2); short protein forms V177L, V222L, W161C, V243L, W116C, V230L, W170C, W215C.
Identifiers: ClinVar variation 2041884 (VCV002041884.4), dbSNP rs1701061039, ClinGen allele CA352133369.